The following is an entry in ClinVar:

ClinVar aggregate classification (germline): Pathogenic (1 of 4 stars; one submission).

Conditions:
Juvenile polyposis syndrome (JPS). Identifiers: Orphanet 2929, MedGen C0345893, MONDO:0017380, OMIM 174900.

Submission:

Labcorp Genetics (formerly Invitae), Labcorp
Classification: Pathogenic for Juvenile polyposis syndrome. Last evaluated: 2021-01-08. Review status: criteria provided, single submitter. Criteria: Invitae Variant Classification Sherloc (09022015). Collection method: clinical testing. Allele origin: germline.
Comment: This sequence change creates a premature translational stop signal (p.Asn8Ilefs*10) in the SMAD4 gene. It is expected to result in an absent or disrupted protein product. Loss-of-function variants in SMAD4 are known to be pathogenic (PMID: 16152648, 16436638, 22810475). This variant is not present in population databases (ExAC no frequency). This variant has not been reported in the literature in individuals with SMAD4-related conditions. For these reasons, this variant has been classified as Pathogenic.

Literature cited by the submitters: PubMed 16152648; PubMed 16436638; PubMed 22810475.

NM_005359.6(SMAD4):c.23del (p.Asn8fs)

Gene: SMAD4 (SMAD family member 4; plus strand). Cytogenetic location: 18q21.2.
Variant type: Deletion.
Coding change: c.23del on transcript NM_005359.6 (MANE Select); coding-DNA position 23, one base deleted (A; older notation c.23delA).
Protein change: p.Asn8fs; shifts the reading frame from asparagine 8.
Molecular consequence: frameshift variant.
Genome position (GRCh38, 1-based): chr18:51,047,069, A deleted; the last of 2 consecutive A bases (chr18:51,047,068-51,047,069); deleting either gives the same sequence. VCF-style (leftmost placement, unchanged base first): chr18-51047067-GA-G. GRCh37 (hg19) VCF-style: chr18-48573437-GA-G.
Other names: short protein forms N8fs.
Identifiers: ClinVar variation 1351575 (VCV001351575.6), dbSNP rs2144400284, ClinGen allele CA2573155395.